The following is an entry in ClinVar:

ClinVar aggregate classification (germline): Uncertain significance (1 of 4 stars; one submission).

Conditions:
Hereditary cancer-predisposing syndrome. Also called: Hereditary Cancer Syndrome; Hereditary neoplastic syndrome; Neoplastic Syndromes, Hereditary; Tumor predisposition. Identifiers: Orphanet 140162, MedGen C0027672, MeSH D009386, MONDO:0015356.

Submission:

Ambry Genetics
Classification: Uncertain significance for Hereditary cancer-predisposing syndrome. Last evaluated: 2026-07-13. Review status: criteria provided, single submitter. Criteria: Ambry Variant Classification Scheme 2023. Collection method: clinical testing. Allele origin: germline.
Comment: The p.G1511C variant (also known as c.4531G>T), located in coding exon 34 of the TSC2 gene, results from a G to T substitution at nucleotide position 4531. The glycine at codon 1511 is replaced by cysteine, an amino acid with highly dissimilar properties. This amino acid position is highly conserved in available vertebrate species. In addition, this alteration is predicted to be deleterious by in silico analysis. Based on the available evidence, the clinical significance of this variant remains unclear.

NM_000548.5(TSC2):c.4531G>T (p.Gly1511Cys)

Gene: TSC2 (TSC complex subunit 2; plus strand). Cytogenetic location: 16p13.3.
Variant type: single nucleotide variant.
Coding change: c.4531G>T on transcript NM_000548.5 (MANE Select); coding-DNA position 4531, G replaced by T.
Protein change: p.Gly1511Cys; replaces glycine 1511 with cysteine.
Molecular consequence: missense variant.
Genome position (GRCh38, 1-based): chr16:2,084,988, G>T. VCF-style: chr16-2084988-G-T. GRCh37 (hg19) VCF-style: chr16-2134989-G-T.
Other names: c.4330G>T, p.Gly1444Cys (NM_001077183.3); c.4462G>T, p.Gly1488Cys (NM_001114382.3); c.4222G>T, p.Gly1408Cys (NM_001318827.2); c.4186G>T, p.Gly1396Cys (NM_001318829.2); c.3799G>T, p.Gly1267Cys (NM_001318831.2); c.4363G>T, p.Gly1455Cys (NM_001318832.2); c.4333G>T, p.Gly1445Cys (NM_001363528.2); c.4399G>T, p.Gly1467Cys (NM_001370404.1); and 26 more; short protein forms G1040C, G1288C, G1291C, G1395C, G1407C, G1444C, G1474C, G1485C.
Identifiers: ClinVar variation 1741286 (VCV001741286.3), dbSNP rs2544305929, ClinGen allele CA394302864.